The following is an entry in ClinVar:

NM_000918.4(P4HB):c.1082C>T (p.Pro361Leu)

Gene: P4HB (prolyl 4-hydroxylase subunit beta; minus strand). Cytogenetic location: 17q25.3.
Variant type: single nucleotide variant.
Coding change: c.1082C>T on transcript NM_000918.4 (MANE Select); coding-DNA position 1082, C replaced by T.
Protein change: p.Pro361Leu; replaces proline 361 with leucine.
Molecular consequence: missense variant.
Genome position (GRCh38, 1-based): chr17:81,845,966, G>A on the plus strand (C>T on the coding strand, the complement: P4HB is on the minus strand). VCF-style: chr17-81845966-G-A. GRCh37 (hg19) VCF-style: chr17-79803842-G-A.
Other names: short protein forms P361L.
Identifiers: ClinVar variation 3697973 (VCV003697973.2).

ClinVar aggregate classification (germline): Uncertain significance (1 of 4 stars; one submission).

gnomAD v4.1: 54 of 1,611,050 alleles (0.0034%); highest among the groups gnomAD compares: East Asian, 0.0067%; no homozygotes.

Submission:

Labcorp Genetics (formerly Invitae), Labcorp
Classification: Uncertain significance. Last evaluated: 2024-03-16. Review status: criteria provided, single submitter. Criteria: Invitae Variant Classification Sherloc (09022015). Collection method: clinical testing. Allele origin: germline.
Comment: This sequence change replaces proline, which is neutral and non-polar, with leucine, which is neutral and non-polar, at codon 361 of the P4HB protein (p.Pro361Leu). This variant is present in population databases (rs780965978, gnomAD 0.02%). This variant has not been reported in the literature in individuals affected with P4HB-related conditions. Advanced modeling of protein sequence and biophysical properties (such as structural, functional, and spatial information, amino acid conservation, physicochemical variation, residue mobility, and thermodynamic stability) performed at Invitae indicates that this missense variant is expected to disrupt P4HB protein function with a positive predictive value of 80%. In summary, the available evidence is currently insufficient to determine the role of this variant in disease. Therefore, it has been classified as a Variant of Uncertain Significance.